The following is an entry in ClinVar:

NM_015175.3(NBEAL2):c.384C>G (p.Gly128=)

Gene: NBEAL2 (neurobeachin like 2; plus strand). Cytogenetic location: 3p21.31.
Variant type: single nucleotide variant.
Coding change: c.384C>G on transcript NM_015175.3 (MANE Select); coding-DNA position 384, C replaced by G.
Protein change: p.Gly128=; no amino-acid change (glycine 128 retained).
Molecular consequence: synonymous variant.
Genome position (GRCh38, 1-based): chr3:46,989,292, C>G. VCF-style: chr3-46989292-C-G. GRCh37 (hg19) VCF-style: chr3-47030782-C-G.
Other names: c.363C>G, p.Gly121= (NM_001365116.2).
Identifiers: ClinVar variation 345614 (VCV000345614.8), dbSNP rs113523265, ClinGen allele CA2360092.

ClinVar aggregate classification (germline): Benign. Review status: criteria provided, multiple submitters, no conflicts (2 of 4 stars). 3 submissions from 3 submitters: Benign (2). 1 of the submissions does not count toward it. Last evaluated 2026-01-05.

Conditions:
NBEAL2-related disorder. Also called: NBEAL2-related condition.
Gray platelet syndrome (GPS). Also called: BLEEDING DISORDER, PLATELET-TYPE, 4. Identifiers: Orphanet 721, MedGen C0272302, MONDO:0007686, OMIM 139090.

Allele frequency attached by ClinVar (database versions not stated): gnomAD exomes 0.00072 and 0.00150; ESP Exome Variant Server 0.00118; gnomAD 0.00121 and 0.00147; TOPMed 0.00133; ExAC 0.00235; 1000 Genomes Project 30x 0.00359; 1000 Genomes Project 0.00379.
gnomAD v4.1: 1,313 of 1,609,088 alleles (0.082%); highest among the groups gnomAD compares: South Asian, 0.97%; 10 homozygotes.

Submissions (3):

Labcorp Genetics (formerly Invitae), Labcorp
Classification: Benign. Last evaluated: 2026-01-05. Review status: criteria provided, single submitter. Criteria: Invitae Variant Classification Sherloc (09022015). Collection method: clinical testing. Allele origin: germline.

Illumina Laboratory Services, Illumina
Classification: Benign for Gray platelet syndrome. Last evaluated: 2018-01-13. Review status: criteria provided, single submitter. Criteria: ICSL Variant Classification Criteria 13 December 2019. Collection method: clinical testing. Allele origin: germline.
Comment: This variant was observed in the ICSL laboratory as part of a predisposition screen in an ostensibly healthy population. It had not been previously curated by ICSL or reported in the Human Gene Mutation Database (HGMD: prior to June 1st, 2018), and was therefore a candidate for classification through an automated scoring system. Utilizing variant allele frequency, disease prevalence and penetrance estimates, and inheritance mode, an automated score was calculated to assess if this variant is too frequent to cause the disease. Based on the score and internal cut-off values, a variant classified as benign is not then subjected to further curation. The score for this variant resulted in a classification of benign for this disease.

PreventionGenetics, part of Exact Sciences
Classification: Benign for NBEAL2-related condition. Last evaluated: 2019-07-23. Review status: no assertion criteria provided. Collection method: clinical testing. Allele origin: germline. Not counted in ClinVar's aggregate classification.
Comment: This variant is classified as benign based on ACMG/AMP sequence variant interpretation guidelines (Richards et al. 2015 PMID: 25741868, with internal and published modifications).